The following is an entry in ClinVar:

ClinVar aggregate classification (germline): Conflicting classifications of pathogenicity. Review status: criteria provided, conflicting classifications (1 of 4 stars). 4 submissions from 4 submitters: Pathogenic (2); Likely pathogenic (1); Uncertain significance (1). Last evaluated 2026-09-01.

Conditions:
Hypophosphatasia. Also called: Phosphoethanol-aminuria. Identifiers: Orphanet 436, MedGen C0020630, MeSH D007014, MONDO:0018570.

gnomAD v4.1: 1 of 1,613,620 alleles (0.000062%); highest among the groups gnomAD compares: Non-Finnish European, 0.000085%; no homozygotes.

Submissions (4):

Genomenon, Inc
Classification: Pathogenic for Hypophosphatasia. Last evaluated: 2026-09-01. Review status: criteria provided, single submitter. Criteria: Genomenon Sequence Variant Interpretation Standards - Updated. Collection method: curation. Allele origin: germline. Affected: yes.
Comment: ALPL p.Tyr101Cys (c.302A>G) is a missense variant that changes the amino acid at codon 101 from Tyrosine to Cysteine. This variant has been observed in at least one proband affected with an ALPL-related disorder (PMID:36361766). At least one functional study has demonstrated a substantial alteration in protein function relative to the wild-type (PMID:40386289). It is absent or not present at a significant frequency in gnomAD. In silico models predict that this variant is possibly or probably damaging. In conclusion, we classify ALPL p.Tyr101Cys (c.302A>G) as a pathogenic variant.

Myriad Genetics, Inc.
Classification: Uncertain significance for Hypophosphatasia. Last evaluated: 2025-12-22. Review status: criteria provided, single submitter. Criteria: Myriad Autosomal Dominant, Autosomal Recessive and X-Linked Classification Criteria (2023). Collection method: clinical testing. Allele origin: unknown.
Comment: NM_000478.4(ALPL):c.302A>G(Y101C) is a missense variant classified as a variant of uncertain significance in the context of hypophosphatasia. Y101C has been observed in cases with relevant disease (PMID: 36361766). Relevant functional assessments of this variant are available in the literature (PMID: 40386289). Y101C has not been observed in referenced population frequency databases. In summary, there is insufficient evidence to classify NM_000478.4(ALPL):c.302A>G(Y101C) as pathogenic or benign. Please note: this variant was assessed in the context of healthy population screening.

Labcorp Genetics (formerly Invitae), Labcorp
Classification: Pathogenic. Last evaluated: 2025-05-16. Review status: criteria provided, single submitter. Criteria: Invitae Variant Classification Sherloc (09022015). Collection method: clinical testing. Allele origin: germline.
Comment: This sequence change replaces tyrosine, which is neutral and polar, with cysteine, which is neutral and slightly polar, at codon 101 of the ALPL protein (p.Tyr101Cys). This variant is not present in population databases (gnomAD no frequency). This missense change has been observed in individual(s) with autosomal recessive hypophosphatasia (PMID: 36361766). ClinVar contains an entry for this variant (Variation ID: 1679809). Invitae Evidence Modeling of protein sequence and biophysical properties (such as structural, functional, and spatial information, amino acid conservation, physicochemical variation, residue mobility, and thermodynamic stability) indicates that this missense variant is expected to disrupt ALPL protein function with a positive predictive value of 95%. For these reasons, this variant has been classified as Pathogenic.

JKU Lab, Dept of Paediatrics, Johannes Kepler University
Classification: Likely pathogenic for Hypophosphatasia. Last evaluated: 2022-04-19. Review status: criteria provided, single submitter. Criteria: ACMG Guidelines, 2015. Collection method: clinical testing. Allele origin: germline. Affected: yes. Observed: 1 heterozygote.
Comment: This variant is absent from large population studies. The REVEL score is 0.975. Functional studies performed at the JKU lab showed reduced ALPL activity. ACMG Criteria used for classification: PS3_mod, PM2_sup, PP3_sup, PP2_sup, PP4_mod.

Literature cited by the submitters: PubMed 36361766 (cited by 3 submitters); PubMed 40386289 (cited by Genomenon, Inc and Myriad Genetics, Inc.).

NM_000478.6(ALPL):c.302A>G (p.Tyr101Cys)

Gene: ALPL (alkaline phosphatase, biomineralization associated; plus strand). Cytogenetic location: 1p36.12.
Variant type: single nucleotide variant.
Coding change: c.302A>G on transcript NM_000478.6 (MANE Select); coding-DNA position 302, A replaced by G.
Protein change: p.Tyr101Cys; replaces tyrosine 101 with cysteine.
Molecular consequence: missense variant.
Genome position (GRCh38, 1-based): chr1:21,563,114, A>G. VCF-style: chr1-21563114-A-G. GRCh37 (hg19) VCF-style: chr1-21889607-A-G.
Other names: c.137A>G, p.Tyr46Cys (NM_001127501.4); c.71A>G, p.Tyr24Cys (NM_001177520.3); c.302A>G, p.Tyr101Cys (NM_001369803.2, NM_001369804.2, NM_001369805.2); short protein forms Y101C, Y24C, Y46C.
Identifiers: ClinVar variation 1679809 (VCV001679809.8), dbSNP rs2148158064, ClinGen allele CA338877056.